The following is an entry in ClinVar:

NM_206933.4(USH2A):c.12401C>T (p.Ala4134Val)

Gene: USH2A (usherin; minus strand). Cytogenetic location: 1q41.
Variant type: single nucleotide variant.
Coding change: c.12401C>T on transcript NM_206933.4 (MANE Select); coding-DNA position 12401, C replaced by T.
Protein change: p.Ala4134Val; replaces alanine 4134 with valine.
Molecular consequence: missense variant.
Genome position (GRCh38, 1-based): chr1:215,675,510, G>A on the plus strand (C>T on the coding strand, the complement: USH2A is on the minus strand). VCF-style: chr1-215675510-G-A. GRCh37 (hg19) VCF-style: chr1-215848852-G-A.
Other names: short protein forms A4134V.
Identifiers: ClinVar variation 2015743 (VCV002015743.2), dbSNP rs752358487, ClinGen allele CA1393471.

ClinVar aggregate classification (germline): Uncertain significance. Review status: criteria provided, multiple submitters, no conflicts (2 of 4 stars). 2 submissions from 2 submitters: Uncertain significance (2). Last evaluated 2022-08-19.

Allele frequency attached by ClinVar (database versions not stated): gnomAD exomes below 0.00001; ExAC 0.00001.
gnomAD v4.1: 3 of 1,614,038 alleles (0.00019%); highest among the groups gnomAD compares: East Asian, 0.0022%; no homozygotes.

Submissions (2):

Labcorp Genetics (formerly Invitae), Labcorp
Classification: Uncertain significance. Last evaluated: 2022-08-19. Review status: criteria provided, single submitter. Criteria: Invitae Variant Classification Sherloc (09022015). Collection method: clinical testing. Allele origin: germline.
Comment: This sequence change replaces alanine, which is neutral and non-polar, with valine, which is neutral and non-polar, at codon 4134 of the USH2A protein (p.Ala4134Val). This variant is present in population databases (rs752358487, gnomAD 0.006%). This variant has not been reported in the literature in individuals affected with USH2A-related conditions. Algorithms developed to predict the effect of missense changes on protein structure and function are either unavailable or do not agree on the potential impact of this missense change (SIFT: "Deleterious"; PolyPhen-2: "Benign"; Align-GVGD: "Class C55"). In summary, the available evidence is currently insufficient to determine the role of this variant in disease. Therefore, it has been classified as a Variant of Uncertain Significance.

Blueprint Genetics
Classification: Uncertain significance. Last evaluated: 2019-07-03. Review status: criteria provided, single submitter. Criteria: ACMG Guidelines, 2015. Collection method: clinical testing. Allele origin: germline.